The following is an entry in ClinVar:

NM_033225.6(CSMD1):c.7569G>A (p.Glu2523=)

Gene: CSMD1 (CUB and Sushi multiple domains 1; minus strand). Cytogenetic location: 8p23.2.
Variant type: single nucleotide variant.
Coding change: c.7569G>A on transcript NM_033225.6 (MANE Select); coding-DNA position 7569, G replaced by A.
Protein change: p.Glu2523=; no amino-acid change (glutamic acid 2523 retained).
Molecular consequence: synonymous variant.
Genome position (GRCh38, 1-based): chr8:3,052,553, C>T on the plus strand (G>A on the coding strand, the complement: CSMD1 is on the minus strand). VCF-style: chr8-3052553-C-T. GRCh37 (hg19) VCF-style: chr8-2910075-C-T.
Identifiers: ClinVar variation 3038908 (VCV003038908.2), dbSNP rs35071327, ClinGen allele CA4605934.

ClinVar aggregate classification (germline): Benign (0 of 4 stars; one submission).

Conditions:
CSMD1-related disorder. Also called: CSMD1-related condition.

Allele frequency attached by ClinVar (database versions not stated): TOPMed 0.01469; gnomAD 0.01593; 1000 Genomes Project 0.01697; 1000 Genomes Project 30x 0.01718; ESP Exome Variant Server 0.01811; gnomAD exomes 0.02180; ExAC 0.02615.
gnomAD v4.1: 34,192 of 1,609,318 alleles (2.1%); highest among the groups gnomAD compares: South Asian, 3.4%; 453 homozygotes.

Submission:

PreventionGenetics, part of Exact Sciences
Classification: Benign for CSMD1-related condition. Last evaluated: 2019-03-05. Review status: no assertion criteria provided. Collection method: clinical testing. Allele origin: germline.
Comment: This variant is classified as benign based on ACMG/AMP sequence variant interpretation guidelines (Richards et al. 2015 PMID: 25741868, with internal and published modifications).